The following is an entry in ClinVar:

ClinVar aggregate classification (germline): Uncertain significance (1 of 4 stars; one submission).

Conditions:
Kabuki syndrome 2 (KABUK2). Also called: KDM6A-Related Kabuki Syndrome. Identifiers: Orphanet 2322, MedGen C3275495, MONDO:0010465, OMIM 300867.

Allele frequency attached by ClinVar (database versions not stated): gnomAD exomes 0.00004.

Submission:

Labcorp Genetics (formerly Invitae), Labcorp
Classification: Uncertain significance for Kabuki syndrome 2. Last evaluated: 2023-07-16. Review status: criteria provided, single submitter. Criteria: Invitae Variant Classification Sherloc (09022015). Collection method: clinical testing. Allele origin: germline.
Comment: In summary, the available evidence is currently insufficient to determine the role of this variant in disease. Therefore, it has been classified as a Variant of Uncertain Significance. Advanced modeling of protein sequence and biophysical properties (such as structural, functional, and spatial information, amino acid conservation, physicochemical variation, residue mobility, and thermodynamic stability) has been performed at Invitae for this missense variant, however the output from this modeling did not meet the statistical confidence thresholds required to predict the impact of this variant on KDM6A protein function. This variant has not been reported in the literature in individuals affected with KDM6A-related conditions. This variant is not present in population databases (gnomAD no frequency). This sequence change replaces methionine, which is neutral and non-polar, with valine, which is neutral and non-polar, at codon 1129 of the KDM6A protein (p.Met1129Val).

NM_001291415.2(KDM6A):c.3541A>G (p.Met1181Val)

Gene: KDM6A (lysine demethylase 6A; plus strand). Cytogenetic location: Xp11.3.
Variant type: single nucleotide variant.
Coding change: c.3541A>G on transcript NM_001291415.2 (MANE Select); coding-DNA position 3541, A replaced by G.
Protein change: p.Met1181Val; replaces methionine 1181 with valine.
Molecular consequence: missense variant. On other transcripts: non-coding transcript variant (1).
Genome position (GRCh38, 1-based): chrX:45,083,560, A>G. VCF-style: chrX-45083560-A-G. GRCh37 (hg19) VCF-style: chrX-44942805-A-G.
Other names: c.3283A>G, p.Met1095Val (NM_001419814.1, NM_001410742.1); c.3148A>G, p.Met1050Val (NM_001419815.1, NM_001291418.2); c.3385A>G, p.Met1129Val (NM_021140.4, NM_001419812.1); c.3406A>G, p.Met1136Val (NM_001291416.2, NM_001419811.1); c.3250A>G, p.Met1084Val (NM_001291417.2); c.2497A>G, p.Met833Val (NM_001291421.2); c.3541A>G, p.Met1181Val (NM_001419809.1); c.3439A>G, p.Met1147Val (NM_001419810.1, NM_001419813.1); short protein forms M1050V, M1084V, M1136V, M1147V, M1095V, M1129V, M1181V, M833V.
Identifiers: ClinVar variation 3017924 (VCV003017924.3), dbSNP rs2523249211, ClinGen allele CA412804644.